The following is an entry in ClinVar:

NM_000038.6(APC):c.3173A>T (p.Asp1058Val)

Gene: APC (APC regulator of Wnt signaling pathway; plus strand). Cytogenetic location: 5q22.2.
Variant type: single nucleotide variant.
Coding change: c.3173A>T on transcript NM_000038.6 (MANE Select); coding-DNA position 3173, A replaced by T.
Protein change: p.Asp1058Val; replaces aspartic acid 1058 with valine.
Molecular consequence: missense variant. On other transcripts: non-coding transcript variant (2).
Genome position (GRCh38, 1-based): chr5:112,838,767, A>T. VCF-style: chr5-112838767-A-T. GRCh37 (hg19) VCF-style: chr5-112174464-A-T.
Other names: c.3173A>T, p.Asp1058Val (NM_001127510.3, NM_001354895.2, NM_001407450.1); c.3119A>T, p.Asp1040Val (NM_001127511.3); c.3227A>T, p.Asp1076Val (NM_001354896.2, NM_001407447.1, NM_001407448.1 and 1 more transcripts); c.3203A>T, p.Asp1068Val (NM_001354897.2); c.3098A>T, p.Asp1033Val (NM_001354898.2); c.3089A>T, p.Asp1030Val (NM_001354899.2); c.3050A>T, p.Asp1017Val (NM_001354900.2); c.2996A>T, p.Asp999Val (NM_001354901.2, NM_001407453.1); and 11 more; short protein forms D1017V, D775V, D1030V, D898V, D932V, D967V, D1086V, D957V.
Identifiers: ClinVar variation 3635437 (VCV003635437.2).

ClinVar aggregate classification (germline): Uncertain significance (1 of 4 stars; one submission).

Conditions:
Familial adenomatous polyposis 1 (FAP1). Also called: FAMILIAL ADENOMATOUS POLYPOSIS 1, ATTENUATED; POLYPOSIS, ADENOMATOUS INTESTINAL. Identifiers: MedGen C2713442, MONDO:0021056, OMIM 175100. Disease mechanism: loss of function.

Submission:

Labcorp Genetics (formerly Invitae), Labcorp
Classification: Uncertain significance for Familial adenomatous polyposis 1. Last evaluated: 2024-06-26. Review status: criteria provided, single submitter. Criteria: Invitae Variant Classification Sherloc (09022015). Collection method: clinical testing. Allele origin: germline.
Comment: This sequence change replaces aspartic acid, which is acidic and polar, with valine, which is neutral and non-polar, at codon 1058 of the APC protein (p.Asp1058Val). This variant is not present in population databases (gnomAD no frequency). This variant has not been reported in the literature in individuals affected with APC-related conditions. Advanced modeling of protein sequence and biophysical properties (such as structural, functional, and spatial information, amino acid conservation, physicochemical variation, residue mobility, and thermodynamic stability) performed at Invitae indicates that this missense variant is not expected to disrupt APC protein function with a negative predictive value of 95%. In summary, the available evidence is currently insufficient to determine the role of this variant in disease. Therefore, it has been classified as a Variant of Uncertain Significance.